The following is an entry in ClinVar:

ClinVar aggregate classification (germline): Uncertain significance. Review status: criteria provided, multiple submitters, no conflicts (2 of 4 stars). 2 submissions from 2 submitters: Uncertain significance (2). Last evaluated 2024-10-21.

Allele frequency attached by ClinVar (database versions not stated): TOPMed 0.00001; gnomAD 0.00003; gnomAD exomes 0.00003; ExAC 0.00006; ESP Exome Variant Server 0.00008.
gnomAD v4.1: 41 of 1,613,150 alleles (0.0025%); highest among the groups gnomAD compares: Admixed American, 0.01%; no homozygotes.

Submissions (2):

Blueprint Genetics
Classification: Uncertain significance. Last evaluated: 2024-10-21. Review status: criteria provided, single submitter. Criteria: ACMG Guidelines, 2015. Collection method: clinical testing. Allele origin: germline.

Labcorp Genetics (formerly Invitae), Labcorp
Classification: Uncertain significance. Last evaluated: 2022-03-13. Review status: criteria provided, single submitter. Criteria: Invitae Variant Classification Sherloc (09022015). Collection method: clinical testing. Allele origin: germline.
Comment: This sequence change replaces isoleucine, which is neutral and non-polar, with threonine, which is neutral and polar, at codon 555 of the TPRN protein (p.Ile555Thr). This variant is present in population databases (rs148259702, gnomAD 0.007%). This variant has not been reported in the literature in individuals affected with TPRN-related conditions. Algorithms developed to predict the effect of missense changes on protein structure and function (SIFT, PolyPhen-2, Align-GVGD) all suggest that this variant is likely to be disruptive. In summary, the available evidence is currently insufficient to determine the role of this variant in disease. Therefore, it has been classified as a Variant of Uncertain Significance.

NM_001128228.3(TPRN):c.1664T>C (p.Ile555Thr)

Gene: TPRN (taperin; minus strand). Cytogenetic location: 9q34.3.
Variant type: single nucleotide variant.
Coding change: c.1664T>C on transcript NM_001128228.3 (MANE Select); coding-DNA position 1664, T replaced by C.
Protein change: p.Ile555Thr; replaces isoleucine 555 with threonine.
Molecular consequence: missense variant.
Genome position (GRCh38, 1-based): chr9:137,199,048, A>G on the plus strand (T>C on the coding strand, the complement: TPRN is on the minus strand). VCF-style: chr9-137199048-A-G. GRCh37 (hg19) VCF-style: chr9-140093500-A-G.
Other names: short protein forms I555T.
Identifiers: ClinVar variation 2185149 (VCV002185149.4), dbSNP rs148259702, ClinGen allele CA5362683.
Genomic context (GRCh38, chr9:137,199,048, plus strand): 5'-TTCTTTCTTGAGGAGCCAGCCTTGGTGAGGCAGGACTTCTGCAGGGCCAGGTAGCCGCCA[A>G]TCACCTCGATCTCATGCACGGTGGGGTAGCGCTTCTTCAACGTGGGCCCCAGGAGGCAAC-3'
Protein context (NP_001121700.2, residues 545-565): RYPTVHEIEV[Ile555Thr]GGYLALQKSC